The following is an entry in ClinVar:

ClinVar aggregate classification (germline): Conflicting classifications of pathogenicity. Review status: criteria provided, conflicting classifications (1 of 4 stars). 3 submissions from 3 submitters: Uncertain significance (2); Likely benign (1). Last evaluated 2023-04-04.

Allele frequency attached by ClinVar (database versions not stated): ESP Exome Variant Server 0.00017.
gnomAD v4.1: 41 of 1,613,636 alleles (0.0025%); highest among the groups gnomAD compares: Non-Finnish European, 0.0033%; no homozygotes.

Submissions (3):

GeneDx
Classification: Uncertain significance. Last evaluated: 2023-04-04. Review status: criteria provided, single submitter. Criteria: GeneDx Variant Classification Process June 2021. Collection method: clinical testing. Allele origin: germline. Affected: yes.
Comment: In silico analysis supports that this missense variant does not alter protein structure/function; Has not been previously published as pathogenic or benign to our knowledge

CeGaT Center for Human Genetics Tuebingen
Classification: Likely benign. Last evaluated: 2022-10-01. Review status: criteria provided, single submitter. Criteria: CeGaT Center For Human Genetics Tuebingen Variant Classification Criteria Version 2. Collection method: clinical testing. Allele origin: germline. Affected: yes. Observed: 1 variant allele.
Comment: ZNF407: BP4

Ambry Genetics
Classification: Uncertain significance. Last evaluated: 2022-03-03. Review status: criteria provided, single submitter. Criteria: Ambry Variant Classification Scheme 2023. Collection method: clinical testing. Allele origin: germline.

NM_017757.3(ZNF407):c.391C>G (p.Leu131Val)

Gene: ZNF407 (zinc finger protein 407; plus strand). Cytogenetic location: 18q22.3.
Variant type: single nucleotide variant.
Coding change: c.391C>G on transcript NM_017757.3 (MANE Select); coding-DNA position 391, C replaced by G.
Protein change: p.Leu131Val; replaces leucine 131 with valine.
Molecular consequence: missense variant.
Genome position (GRCh38, 1-based): chr18:74,631,410, C>G. VCF-style: chr18-74631410-C-G. GRCh37 (hg19) VCF-style: chr18-72343366-C-G.
Other names: c.391C>G, p.Leu131Val (NM_001146189.1, NM_001146190.1, NM_001384475.1); short protein forms L131V.
Identifiers: ClinVar variation 2408775 (VCV002408775.27), dbSNP rs375286661, ClinGen allele CA9000183.